The following is an entry in ClinVar:

NM_014264.5(PLK4):c.163C>A (p.Gln55Lys)

Gene: PLK4 (polo like kinase 4; plus strand). Cytogenetic location: 4q28.1.
Variant type: single nucleotide variant.
Coding change: c.163C>A on transcript NM_014264.5 (MANE Select); coding-DNA position 163, C replaced by A.
Protein change: p.Gln55Lys; replaces glutamine 55 with lysine.
Molecular consequence: missense variant. On other transcripts: intron variant (1).
Genome position (GRCh38, 1-based): chr4:127,883,298, C>A. VCF-style: chr4-127883298-C-A. GRCh37 (hg19) VCF-style: chr4-128804453-C-A.
Other names: c.40C>A, p.Gln14Lys (NM_001190801.2); c.127-141C>A (NM_001190799.2); short protein forms Q14K, Q55K.
Identifiers: ClinVar variation 1417673 (VCV001417673.7), dbSNP rs762302246, ClinGen allele CA105687160.

ClinVar aggregate classification (germline): Uncertain significance (1 of 4 stars; one submission).

Allele frequency attached by ClinVar (database versions not stated): gnomAD exomes below 0.00001; TOPMed 0.00001.
gnomAD v4.1: 3 of 1,598,530 alleles (0.00019%); highest among the groups gnomAD compares: Non-Finnish European, 0.00017%; no homozygotes.

Submission:

Labcorp Genetics (formerly Invitae), Labcorp
Classification: Uncertain significance. Last evaluated: 2022-06-20. Review status: criteria provided, single submitter. Criteria: Invitae Variant Classification Sherloc (09022015). Collection method: clinical testing. Allele origin: germline.
Comment: In summary, the available evidence is currently insufficient to determine the role of this variant in disease. Therefore, it has been classified as a Variant of Uncertain Significance. Algorithms developed to predict the effect of sequence changes on RNA splicing suggest that this variant may create or strengthen a splice site. Algorithms developed to predict the effect of missense changes on protein structure and function (SIFT, PolyPhen-2, Align-GVGD) all suggest that this variant is likely to be tolerated. This variant has not been reported in the literature in individuals affected with PLK4-related conditions. This variant is not present in population databases (gnomAD no frequency). This sequence change replaces glutamine, which is neutral and polar, with lysine, which is basic and polar, at codon 55 of the PLK4 protein (p.Gln55Lys).